The following is an entry in ClinVar:

NM_152419.3(HGSNAT):c.610G>T (p.Glu204Ter)

Gene: HGSNAT (heparan-alpha-glucosaminide N-acetyltransferase; plus strand). Cytogenetic location: 8p11.21.
Variant type: single nucleotide variant.
Coding change: c.610G>T on transcript NM_152419.3 (MANE Select); coding-DNA position 610, G replaced by T.
Protein change: p.Glu204Ter; replaces glutamic acid 204 with a stop codon.
Molecular consequence: nonsense. On other transcripts: 5 prime UTR variant (1).
Genome position (GRCh38, 1-based): chr8:43,169,219, G>T. VCF-style: chr8-43169219-G-T. GRCh37 (hg19) VCF-style: chr8-43024362-G-T.
Other names: c.610G>T, p.Glu204Ter (NM_001363227.2, NM_001363228.2); c.-224G>T (NM_001363229.2); short protein forms E204*.
Identifiers: ClinVar variation 2938905 (VCV002938905.5), dbSNP rs1369781438, ClinGen allele CA371115997.

ClinVar aggregate classification (germline): Pathogenic/Likely pathogenic. Review status: criteria provided, multiple submitters, no conflicts (2 of 4 stars). 2 submissions from 2 submitters: Pathogenic (1); Likely pathogenic (1). Last evaluated 2025-08-22.

Conditions:
Retinitis pigmentosa 73 (RP73). Identifiers: Orphanet 791, MedGen C4225287, MONDO:0014687, OMIM 616544.
Mucopolysaccharidosis, MPS-III-C (MPS3C). Also called: SANFILIPPO SYNDROME C; MPS III C; Mucopolysaccharidosis type IIIC (Sanfilippo C); MUCOPOLYSACCHARIDOSIS, TYPE IIIC; mucopolysaccharidosis type 3C; MPS IIIC (Sanfilippo Syndrome Type C). Identifiers: Orphanet 581, Orphanet 79271, MedGen C0086649, MONDO:0009657, OMIM 252930.

Submissions (2):

Dasa
Classification: Likely pathogenic. Last evaluated: 2025-08-22. Review status: criteria provided, single submitter. Criteria: DASA Assertion Criteria. Collection method: clinical testing. Allele origin: germline.
Comment: NM_152419.3(HGSNAT):c.610G>T (p.Glu204*) is a nonsense variant in HGSNAT predicted to introduce a premature termination codon and is predicted to result in an absent or altered protein product. Loss of function is an established disease mechanism for HGSNAT-associated disorders. Also, this variant is absent from population databases. Based on the currently available evidence, this variant is classified as likely pathogenic.

Labcorp Genetics (formerly Invitae), Labcorp
Classification: Pathogenic for Retinitis pigmentosa 73; Mucopolysaccharidosis, MPS-III-C. Last evaluated: 2024-02-14. Review status: criteria provided, single submitter. Criteria: Invitae Variant Classification Sherloc (09022015). Collection method: clinical testing. Allele origin: germline.
Comment: This sequence change creates a premature translational stop signal (p.Glu204*) in the HGSNAT gene. It is expected to result in an absent or disrupted protein product. Loss-of-function variants in HGSNAT are known to be pathogenic (PMID: 17033958, 19479962). This variant is not present in population databases (gnomAD no frequency). This variant has not been reported in the literature in individuals affected with HGSNAT-related conditions. Algorithms developed to predict the effect of sequence changes on RNA splicing suggest that this variant may disrupt the consensus splice site. For these reasons, this variant has been classified as Pathogenic.

Literature cited by the submitters: PubMed 17033958 (cited by Labcorp Genetics (formerly Invitae), Labcorp); PubMed 19479962 (cited by Labcorp Genetics (formerly Invitae), Labcorp).